The following is an entry in ClinVar:

ClinVar aggregate classification (germline): Uncertain significance (1 of 4 stars; one submission).

Conditions:
Catecholaminergic polymorphic ventricular tachycardia 1. Also called: VENTRICULAR TACHYCARDIA, CATECHOLAMINERGIC POLYMORPHIC, 1, WITH OR WITHOUT ATRIAL DYSFUNCTION AND/OR DILATED CARDIOMYOPATHY; RYR2-Related Catecholaminergic Polymorphic Ventricular Tachycardia; VENTRICULAR TACHYCARDIA, STRESS-INDUCED POLYMORPHIC 1. Identifiers: Orphanet 3286, MedGen C1631597, MONDO:0011484, OMIM 604772.

Submission:

Labcorp Genetics (formerly Invitae), Labcorp
Classification: Uncertain significance for Catecholaminergic polymorphic ventricular tachycardia 1. Last evaluated: 2024-04-24. Review status: criteria provided, single submitter. Criteria: Invitae Variant Classification Sherloc (09022015). Collection method: clinical testing. Allele origin: germline.
Comment: This sequence change replaces proline, which is neutral and non-polar, with alanine, which is neutral and non-polar, at codon 3198 of the RYR2 protein (p.Pro3198Ala). This variant is not present in population databases (gnomAD no frequency). This variant has not been reported in the literature in individuals affected with RYR2-related conditions. Advanced modeling of protein sequence and biophysical properties (such as structural, functional, and spatial information, amino acid conservation, physicochemical variation, residue mobility, and thermodynamic stability) performed at Invitae indicates that this missense variant is not expected to disrupt RYR2 protein function with a negative predictive value of 95%. In summary, the available evidence is currently insufficient to determine the role of this variant in disease. Therefore, it has been classified as a Variant of Uncertain Significance.

NM_001035.3(RYR2):c.9592C>G (p.Pro3198Ala)

Gene: RYR2 (ryanodine receptor 2; plus strand). Cytogenetic location: 1q43.
Variant type: single nucleotide variant.
Coding change: c.9592C>G on transcript NM_001035.3 (MANE Select); coding-DNA position 9592, C replaced by G.
Protein change: p.Pro3198Ala; replaces proline 3198 with alanine.
Molecular consequence: missense variant.
Genome position (GRCh38, 1-based): chr1:237,706,960, C>G. VCF-style: chr1-237706960-C-G. GRCh37 (hg19) VCF-style: chr1-237870260-C-G.
Other names: short protein forms P3198A.
Identifiers: ClinVar variation 3633818 (VCV003633818.2).